The following is an entry in ClinVar:

NM_001387274.1(DCDC1):c.476A>G (p.Asn159Ser)

Genes: DCDC1 (doublecortin domain containing 1; minus strand), LOC126861175 (CDK7 strongly-dependent group 2 enhancer GRCh37_chr11:31326823-31328022; plus strand). Cytogenetic location: 11p13.
Variant type: single nucleotide variant.
Coding change: c.476A>G on transcript NM_001387274.1 (MANE Select); coding-DNA position 476, A replaced by G.
Protein change: p.Asn159Ser; replaces asparagine 159 with serine.
Molecular consequence: missense variant. On other transcripts: non-coding transcript variant (1).
Genome position (GRCh38, 1-based): chr11:31,306,347, T>C on the plus strand (A>G on the coding strand, the complement: DCDC1 is on the minus strand). VCF-style: chr11-31306347-T-C. GRCh37 (hg19) VCF-style: chr11-31327894-T-C.
Other names: c.476A>G, p.Asn159Ser (NM_001367979.1, NM_181807.4); short protein forms N159S.
Identifiers: ClinVar variation 2732816 (VCV002732816.3), dbSNP rs2539791898, ClinGen allele CA380095171.
Genomic context (GRCh38, chr11:31,306,347, plus strand): 5'-TAAGCTGTTACTTTAATCACTCTTGGTTGAAGTTTGTGTCTTTGAGACAATTTCTGCCAA[T>C]TCCGGGCTGACTGAAATTTTAAAGAAGAGAACTCTGCAACCCTGAAGAAAAAGAAAAACA-3'
Protein context (NP_001374203.1, residues 149-169): FSSLKFQSAR[Asn159Ser]WQKLSQRHKL

ClinVar aggregate classification (germline): Uncertain significance (1 of 4 stars; one submission).

Allele frequency attached by ClinVar (database versions not stated): gnomAD exomes below 0.00001.
gnomAD v4.1: 2 of 1,609,228 alleles (0.00012%); highest among the groups gnomAD compares: Admixed American, 0.0017%; no homozygotes.

Submission:

Labcorp Genetics (formerly Invitae), Labcorp
Classification: Uncertain significance. Last evaluated: 2023-10-09. Review status: criteria provided, single submitter. Criteria: Invitae Variant Classification Sherloc (09022015). Collection method: clinical testing. Allele origin: germline.
Comment: This sequence change replaces asparagine, which is neutral and polar, with serine, which is neutral and polar, at codon 159 of the DCDC1 protein (p.Asn159Ser). This variant is not present in population databases (gnomAD no frequency). This variant has not been reported in the literature in individuals affected with DCDC1-related conditions. Algorithms developed to predict the effect of missense changes on protein structure and function output the following: SIFT: "Not Available"; PolyPhen-2: "Benign"; Align-GVGD: "Not Available". The serine amino acid residue is found in multiple mammalian species, which suggests that this missense change does not adversely affect protein function. In summary, the available evidence is currently insufficient to determine the role of this variant in disease. Therefore, it has been classified as a Variant of Uncertain Significance.